The following is an entry in ClinVar:

ClinVar aggregate classification (germline): Uncertain significance. Review status: criteria provided, single submitter (1 of 4 stars). 2 submissions from 2 submitters: Uncertain significance (1). 1 of the submissions does not count toward it. Last evaluated 2023-05-08.

Conditions:
NPHP4-related disorder. Also called: NPHP4-related disorders; NPHP4-related condition. Identifiers: MedGen CN239384.
Nephronophthisis. Also called: Juvenile Nephronophthisis. Identifiers: Orphanet 655, MedGen C0687120, MONDO:0019005, HP:0000090.

Allele frequency attached by ClinVar (database versions not stated): TOPMed 0.00002; gnomAD exomes 0.00001.
gnomAD v4.1: 13 of 1,597,212 alleles (0.00081%); highest among the groups gnomAD compares: Non-Finnish European, 0.0011%; no homozygotes.

Submissions (2):

Labcorp Genetics (formerly Invitae), Labcorp
Classification: Uncertain significance for Nephronophthisis. Last evaluated: 2023-05-08. Review status: criteria provided, single submitter. Criteria: Invitae Variant Classification Sherloc (09022015). Collection method: clinical testing. Allele origin: germline.
Comment: This sequence change falls in intron 6 of the NPHP4 gene. It does not directly change the encoded amino acid sequence of the NPHP4 protein. It affects a nucleotide within the consensus splice site. The frequency data for this variant in the population databases is considered unreliable, as metrics indicate poor data quality at this position in the gnomAD database. This variant has not been reported in the literature in individuals affected with NPHP4-related conditions. ClinVar contains an entry for this variant (Variation ID: 999355). Variants that disrupt the consensus splice site are a relatively common cause of aberrant splicing (PMID: 17576681, 9536098). Algorithms developed to predict the effect of sequence changes on RNA splicing suggest that this variant is not likely to affect RNA splicing. In summary, the available evidence is currently insufficient to determine the role of this variant in disease. Therefore, it has been classified as a Variant of Uncertain Significance.

PreventionGenetics, part of Exact Sciences
Classification: Likely benign for NPHP4-related condition. Last evaluated: 2021-03-31. Review status: no assertion criteria provided. Collection method: clinical testing. Allele origin: germline. Not counted in ClinVar's aggregate classification.
Comment: This variant is classified as likely benign based on ACMG/AMP sequence variant interpretation guidelines (Richards et al. 2015 PMID: 25741868, with internal and published modifications).

Literature cited by the submitters: PubMed 17576681 (cited by Labcorp Genetics (formerly Invitae), Labcorp); PubMed 9536098 (cited by Labcorp Genetics (formerly Invitae), Labcorp).

NM_015102.5(NPHP4):c.674-3C>T

Gene: NPHP4 (nephrocystin 4; minus strand). Cytogenetic location: 1p36.31.
Variant type: single nucleotide variant.
Coding change: c.674-3C>T on transcript NM_015102.5 (MANE Select); 3 bases into the intron before coding-DNA position 674, C replaced by T.
Molecular consequence: intron variant.
Genome position (GRCh38, 1-based): chr1:5,952,839, G>A on the plus strand (C>T on the coding strand, the complement: NPHP4 is on the minus strand). VCF-style: chr1-5952839-G-A. GRCh37 (hg19) VCF-style: chr1-6012899-G-A.
Other names: c.-693-3C>T (NM_001291594.2); c.-556-4588C>T (NM_001291593.2); c.674-3C>T (NM_015102.4).
Identifiers: ClinVar variation 999355 (VCV000999355.10), dbSNP rs1000557946, ClinGen allele CA17161334.
Genomic context (GRCh38, chr1:5,952,839, plus strand): 5'-AAGTCATCCAAGTGCCCCGTGATGGGCTTCTGGAGGCGAGGCTTTCGGAGAGCGTCGCCT[G>A]AAACAGTGAGGGTGCGAAAAGGGTCATCCTTGGGAATAAAACACCCACTGGCAGCCACCG-3'